The following is an entry in ClinVar:

ClinVar aggregate classification (germline): Likely pathogenic (1 of 4 stars; one submission).

Conditions:
ABCG8-related disorder. Also called: ABCG8-related condition.

Submission:

PreventionGenetics, part of Exact Sciences
Classification: Likely pathogenic for ABCG8-related condition. Last evaluated: 2024-10-16. Review status: criteria provided, single submitter. Criteria: ACMG Guidelines, 2015. Collection method: clinical testing. Allele origin: germline.
Comment: The ABCG8 c.391C>T variant is predicted to result in premature protein termination (p.Gln131*). To our knowledge, this variant has not been reported in the literature or in a large population database (gnomAD), indicating this variant is rare. Nonsense variants in ABCG8 are expected to be pathogenic. This variant is interpreted as likely pathogenic.

NM_022437.3(ABCG8):c.391C>T (p.Gln131Ter)

Gene: ABCG8 (ATP binding cassette subfamily G member 8; plus strand). Cytogenetic location: 2p21.
Variant type: single nucleotide variant.
Coding change: c.391C>T on transcript NM_022437.3 (MANE Select); coding-DNA position 391, C replaced by T.
Protein change: p.Gln131Ter; replaces glutamine 131 with a stop codon.
Molecular consequence: nonsense.
Genome position (GRCh38, 1-based): chr2:43,851,652, C>T. VCF-style: chr2-43851652-C-T. GRCh37 (hg19) VCF-style: chr2-44078791-C-T.
Other names: c.391C>T, p.Gln131Ter (NM_001357321.2); short protein forms Q131*.
Identifiers: ClinVar variation 4978812 (VCV004978812.1).
Genomic context (GRCh38, chr2:43,851,652, plus strand): 5'-AGAGCCTCCTTGCTAGATGTGATCACTGGCCGAGGTCACGGCGGCAAGATCAAGTCAGGC[C>T]AGATCTGGATCAATGGGCAGCCCAGCTCGCCTCAGCTGGTGAGGAAGTGTGTGGCCCACG-3'